The following is an entry in ClinVar:

NM_004415.4(DSP):c.6043G>A (p.Ala2015Thr)

Gene: DSP (desmoplakin; plus strand). Cytogenetic location: 6p24.3.
Variant type: single nucleotide variant.
Coding change: c.6043G>A on transcript NM_004415.4 (MANE Select); coding-DNA position 6043, G replaced by A.
Protein change: p.Ala2015Thr; replaces alanine 2015 with threonine.
Molecular consequence: missense variant.
Genome position (GRCh38, 1-based): chr6:7,583,305, G>A. VCF-style: chr6-7583305-G-A. GRCh37 (hg19) VCF-style: chr6-7583538-G-A.
Other names: c.4246G>A, p.Ala1416Thr (NM_001008844.3); c.4714G>A, p.Ala1572Thr (NM_001319034.2); short protein forms A1572T, A2015T, A1416T.
Identifiers: ClinVar variation 927576 (VCV000927576.5), dbSNP rs1200353349, ClinGen allele CA362689965.

ClinVar aggregate classification (germline): Uncertain significance (1 of 4 stars; one submission).

Conditions:
Cardiomyopathy (CMYO). Also called: Cardiomyopathies. Identifiers: Orphanet 167848, MedGen C0878544, MONDO:0004994, HP:0001638. Inheritance: Various modes of inheritance.

Allele frequency attached by ClinVar (database versions not stated): gnomAD exomes below 0.00001; TOPMed below 0.00001; gnomAD 0.00001.
gnomAD v4.1: 2 of 1,614,108 alleles (0.00012%); highest among the groups gnomAD compares: Admixed American, 0.0017%; no homozygotes.

Submission:

Color Diagnostics, LLC DBA Color Health
Classification: Uncertain significance for Cardiomyopathy. Last evaluated: 2023-12-04. Review status: criteria provided, single submitter. Criteria: ACMG Guidelines, 2015. Collection method: clinical testing. Allele origin: germline.
Comment: Variant of Uncertain Significance due to insufficient evidence: This missense variant is located in the C-terminal plakin repeat domain A of the DSP protein. Computational prediction tools and conservation analyses are inconclusive regarding the impact of this variant on the protein function. Computational splicing tools suggest that this variant may not impact RNA splicing. To our knowledge, functional assays have not been performed for this variant nor has this variant been reported in individuals affected with cardiovascular disorders in the literature. This variant is rare in the general population and has been identified in 0/277264 chromosomes by the Genome Aggregation Database (gnomAD). Available evidence is insufficient to determine the pathogenicity of this variant conclusively.